The following is an entry in ClinVar:

ClinVar aggregate classification (germline): Pathogenic. Review status: reviewed by expert panel (3 of 4 stars). 12 submissions from 12 submitters: Pathogenic (1). 11 of the submissions do not count toward it. Last evaluated 2024-05-07.

Conditions:
Glycogen storage disease, type II (IOPD). Also called: CARDIOMEGALIA GLYCOGENICA DIFFUSA; Glycogen storage disease type 2; Acid maltase deficiency disease; Aglucosidase alfa; Deficiency of alpha-glucosidase; Deficiency of lysosomal alpha-glucosidase. Identifiers: Orphanet 365, MedGen C0017921, MONDO:0009290, OMIM 232300.

Allele frequency attached by ClinVar (database versions not stated): TOPMed below 0.00001; gnomAD 0.00001; gnomAD exomes 0.00001.
gnomAD v4.1: 5 of 1,613,804 alleles (0.00031%); highest among the groups gnomAD compares: South Asian, 0.0011%; no homozygotes.

Submissions 1 to 9 of 12:

ClinGen Lysosomal Storage Disorder Variant Curation Expert Panel
Classification: Pathogenic for Glycogen storage disease, type II. Last evaluated: 2024-05-07. Review status: reviewed by expert panel. Criteria: clingen_lsd_acmg_specifications_v2-1. Collection method: curation. Allele origin: germline. Inheritance: Autosomal recessive inheritance.
Comment: The NM_000152.5:c.1556T>C variant in GAA is a missense variant predicted to cause substitution of methionine by threonine at amino acid 519 (p.Met519Thr). This variant has been detected in at least 4 individuals with Pompe disease. Of those individuals, 3 were compound heterozygous for the variant and a variant that has been classified as pathogenic by the ClinGen LD VCEP, phase unconfirmed, either c.525del (ClinVar Variation ID: 4033, SCV001443331.1) (PMID: 14695532), c.1441T>C (p.Trp481Arg) (ClinVar Variation ID: 189007, SCV004227917.1) (PMID: 31086307), or c.[752C>T;761C>T] (p.[Ser251Leu;Ser254Leu] (ClinVar Variation ID 325781/325782) (Clinical laboratory data); One individual was homozygous for the variant (PMID: 33741225) (PM3_Strong). At least 1 patient with this variant had documented GAA deficiency with <10% of normal mean control level of GAA activity in dried blood spot (PMID: 33741225) and 2 patients were reported to have symptoms consistent with infantile onset Pompe disease (PMID: 14695532) (PP4_Moderate). The highest population minor allele frequency in gnomAD v2.1.1 is 0.00003 (1/30616 alleles) in the South Asian population, which is lower than the ClinGen Lysosomal Diseases VCEP’s threshold for PM2_Supporting (<0.001), meeting this criterion (PM2_Supporting). The computational predictor REVEL gives a score of 0.983 which is above the threshold of 0.7, evidence that correlates with impact to GAA function (PP3). Expression of the variant in COS-7 resulted in <2% wild type GAA activity with western blot data showing decreased level of mature protein, indicating that this variant may impact protein function (PMIDs: 19862843, 14695532) (PS3_Moderate). This variant alters amino acid M519, a residue that crystallography studies have shown to be important in the active site of GAA, and therefore has been defined as a critical residue by the ClinGen Lysosomal Diseases VCEP (PMID: 29061980) (PM1). There is a ClinVar entry for this variant (Variation ID: 189124). In summary, this variant meets the criteria to be classified as Pathogenic for Pompe disease. GAA-specific ACMG/AMP criteria met, based on the specification of the ClinGen Lysosomal Diseases VCEP (Specifications Version 2.0): PM3_strong, PP4_moderate, PM1, PS3_moderate, PP3, PM2_supporting. (Classification approved by the ClinGen Lysosomal Diseases Variant Curation Expert Panel on May 7, 2024)

Genomenon, Inc
Classification: Likely pathogenic for Glycogen storage disease, type II. Last evaluated: 2026-07-01. Review status: criteria provided, single submitter. Criteria: Genomenon Sequence Variant Interpretation Standards - Updated. Collection method: curation. Allele origin: germline. Affected: yes. Not counted in ClinVar's aggregate classification.
Comment: GAA p.Met519Thr (c.1556T>C) is a missense variant that changes the amino acid at codon 519 from Methionine to Threonine. This variant has been observed in at least one proband with a GAA-related disorder in the compound heterozygous and/or homozygous state (PMID:33741225;31193175;14695532). At least one functional study has demonstrated a substantial alteration in protein function relative to the wild-type (PMID:14695532;19862843). The variant is located in a mutational hotspot and/or important functional domain. It is absent or not present at a significant frequency in gnomAD. In silico models predict that this variant is possibly or probably damaging. In conclusion, we classify GAA p.Met519Thr (c.1556T>C) as a likely pathogenic variant.

Labcorp Genetics (formerly Invitae), Labcorp
Classification: Pathogenic for Glycogen storage disease, type II. Last evaluated: 2024-05-01. Review status: criteria provided, single submitter. Criteria: Invitae Variant Classification Sherloc (09022015). Collection method: clinical testing. Allele origin: germline. Not counted in ClinVar's aggregate classification.
Comment: This sequence change replaces methionine, which is neutral and non-polar, with threonine, which is neutral and polar, at codon 519 of the GAA protein (p.Met519Thr). This variant is present in population databases (rs786204720, gnomAD 0.003%). This missense change has been observed in individual(s) with Pompe disease (PMID: 31086307, 33741225). ClinVar contains an entry for this variant (Variation ID: 189124). Advanced modeling of protein sequence and biophysical properties (such as structural, functional, and spatial information, amino acid conservation, physicochemical variation, residue mobility, and thermodynamic stability) performed at Invitae indicates that this missense variant is expected to disrupt GAA protein function with a positive predictive value of 95%. Experimental studies have shown that this missense change affects GAA function (PMID: 14695532, 19862843). This variant disrupts the p.Met519 amino acid residue in GAA. Other variant(s) that disrupt this residue have been determined to be pathogenic (PMID: 31439017, 31965297; Invitae). This suggests that this residue is clinically significant, and that variants that disrupt this residue are likely to be disease-causing. For these reasons, this variant has been classified as Pathogenic.

GeneDx
Classification: Pathogenic. Last evaluated: 2024-01-08. Review status: criteria provided, single submitter. Criteria: GeneDx Variant Classification Process June 2021. Collection method: clinical testing. Allele origin: germline. Affected: yes. Not counted in ClinVar's aggregate classification.
Comment: Published functional studies demonstrate that the variant results in significantly reduced enzyme activity (PMID: 19862843); Not observed at significant frequency in large population cohorts (gnomAD); In silico analysis supports that this missense variant has a deleterious effect on protein structure/function; This variant is associated with the following publications: (PMID: 7603530, 14695532, 31086307, 31439017, 31193175, 15501829, 31254424, 33741225, 31965297, 19862843, 19343043, 22253258)

Revvity Omics, Revvity
Classification: Likely pathogenic. Last evaluated: 2023-06-28. Review status: criteria provided, single submitter. Criteria: ACMG Guidelines, 2015. Collection method: clinical testing. Allele origin: germline. Not counted in ClinVar's aggregate classification.

Neuberg Centre For Genomic Medicine, NCGM
Classification: Pathogenic for Glycogen storage disease, type II. Last evaluated: 2023-02-14. Review status: criteria provided, single submitter. Criteria: ACMG Guidelines, 2015. Collection method: clinical testing. Allele origin: germline. Inheritance: Autosomal recessive inheritance. Affected: yes. Not counted in ClinVar's aggregate classification.
Comment: The missense variant c.1556T>C(p.Met519Thr) in GAA gene has been reported in homozygous state in individuals with Pompe disease (Puri RD, et al., 2021).Experimental studies have shown that this missense change affects GAA function. This variant disrupts the p.Met519 amino acid residue in GAA (Flanagan JJ,et al., 2009). The variant has 0.001% allele frequency in gnomAD Exomes and is novel (not in any individuals) in 1000 Genomes. This variant has been reported to the ClinVar database as Uncertain significance/ Likely Pathogenic/ Pathogenic.The amino acid Methionine at position 519 is changed to a Threonine changing protein sequence and it might alter its composition and physico-chemical properties. The variant is predicted to be damaging by SIFT. The amino acid change p.Met519Thr in GAA is predicted as conserved by GERP++ and PhyloP across 100 vertebrates. For these reasons, this variant has been classified as Pathogenic.

3billion
Classification: Pathogenic for Glycogen storage disease, type II. Last evaluated: 2022-05-22. Review status: criteria provided, single submitter. Criteria: ACMG Guidelines, 2015. Collection method: clinical testing. Allele origin: germline. Affected: yes. Observed: 1 heterozygote. Not counted in ClinVar's aggregate classification.
Comment: The variant is observed at an extremely low frequency in the gnomAD v2.1.1 dataset (total allele frequency: <0.001%). The variant is in trans with NM_000152.5:c.1561G>A variant. In silico tool predictions suggest damaging effect of the variant on gene or gene product (REVEL: 0.98; 3Cnet: 0.92). Same nucleotide change resulting in same amino acid change has been previously reported as pathogenic/likely pathogenic with strong evidence (ClinVar ID: VCV000189124). Different missense changes at the same codon (p.Met519Ile, p.Met519Val) have been reported to be associated with GAA related disorder (ClinVar ID: VCV001067893 / PMID: 31965297, 7866409). Therefore, this variant is classified as pathogenic according to the recommendation of ACMG/AMP guideline.

Genome-Nilou Lab
Classification: Likely pathogenic for Glycogen storage disease, type II. Last evaluated: 2021-07-22. Review status: criteria provided, single submitter. Criteria: ACMG Guidelines, 2015. Collection method: clinical testing. Allele origin: germline. Affected: no. Not counted in ClinVar's aggregate classification.

Institute of Medical Genetics and Genomics, Sir Ganga Ram Hospital
Classification: Pathogenic for Glycogen storage disease, type II. Last evaluated: 2020-10-15. Review status: criteria provided, single submitter. Criteria: ACMG Guidelines, 2015. Collection method: clinical testing. Allele origin: germline. Inheritance: Autosomal recessive inheritance. Affected: yes. Observed: 1 homozygote. Not counted in ClinVar's aggregate classification.
Comment: Met519Thr has been reported by Reuser et. al. 1995 PMID:7603530

NM_000152.5(GAA):c.1556T>C (p.Met519Thr)

Gene: GAA (alpha glucosidase; plus strand). Cytogenetic location: 17q25.3.
Variant type: single nucleotide variant.
Coding change: c.1556T>C on transcript NM_000152.5 (MANE Select); coding-DNA position 1556, T replaced by C.
Protein change: p.Met519Thr; replaces methionine 519 with threonine.
Molecular consequence: missense variant.
Genome position (GRCh38, 1-based): chr17:80,110,945, T>C. VCF-style: chr17-80110945-T-C. GRCh37 (hg19) VCF-style: chr17-78084744-T-C.
Other names: NM_000152.5(GAA):c.1556T>C; c.1556T>C (LRG_673t1); c.1556T>C, p.Met519Thr (NM_001079803.3, NM_001079804.3); short protein forms M519T.
Identifiers: ClinVar variation 189124 (VCV000189124.28), dbSNP rs786204720, ClinGen allele CA274402.